The following is an entry in ClinVar:

ClinVar aggregate classification (germline): Uncertain significance (1 of 4 stars; one submission).

Conditions:
Neuroblastoma, susceptibility to, 3. Also called: ALK-Related Neuroblastic Tumor Susceptibility. Identifiers: Orphanet 635, MedGen C2751681, MONDO:0013083, OMIM 613014.

Submission:

Labcorp Genetics (formerly Invitae), Labcorp
Classification: Uncertain significance for Neuroblastoma, susceptibility to, 3. Last evaluated: 2023-03-07. Review status: criteria provided, single submitter. Criteria: Invitae Variant Classification Sherloc (09022015). Collection method: clinical testing. Allele origin: germline.
Comment: This sequence change creates a premature translational stop signal (p.Tyr1359*) in the ALK gene. It is expected to result in an absent or disrupted protein product. However, the current clinical and genetic evidence is not sufficient to establish whether loss-of-function variants in ALK cause disease. This variant is not present in population databases (gnomAD no frequency). This variant has not been reported in the literature in individuals affected with ALK-related conditions. Algorithms developed to predict the effect of sequence changes on RNA splicing suggest that this variant may create or strengthen a splice site. In summary, the available evidence is currently insufficient to determine the role of this variant in disease. Therefore, it has been classified as a Variant of Uncertain Significance.

NM_004304.5(ALK):c.4077C>G (p.Tyr1359Ter)

Gene: ALK (ALK receptor tyrosine kinase; minus strand). Cytogenetic location: 2p23.2.
Variant type: single nucleotide variant.
Coding change: c.4077C>G on transcript NM_004304.5 (MANE Select); coding-DNA position 4077, C replaced by G.
Protein change: p.Tyr1359Ter; replaces tyrosine 1359 with a stop codon.
Molecular consequence: nonsense.
Genome position (GRCh38, 1-based): chr2:29,196,857, G>C on the plus strand (C>G on the coding strand, the complement: ALK is on the minus strand). VCF-style: chr2-29196857-G-C. GRCh37 (hg19) VCF-style: chr2-29419723-G-C.
Other names: c.873C>G, p.Tyr291Ter (NM_001353765.2); short protein forms Y291*, Y1359*.
Identifiers: ClinVar variation 2843372 (VCV002843372.3), dbSNP rs2148141979, ClinGen allele CA346465574.